The following is an entry in ClinVar:

ClinVar aggregate classification (germline): Pathogenic. Review status: reviewed by expert panel (3 of 4 stars). 5 submissions from 5 submitters: Pathogenic (1). 4 of the submissions do not count toward it. Last evaluated 2016-09-08.

Conditions:
Hereditary breast ovarian cancer syndrome. Also called: Hereditary breast and ovarian cancer; Breast and ovarian cancer; Hereditary breast and/or ovarian cancer syndrome; BRCA1- and BRCA2-Associated Hereditary Breast and Ovarian Cancer; Hereditary breast and ovarian cancer syndrome; Hereditary breast and ovarian cancer syndrome (HBOC). Identifiers: Orphanet 145, MedGen C0677776, MeSH D061325, MONDO:0003582. Disease mechanism: loss of function.
Breast-ovarian cancer, familial, susceptibility to, 2 (BROVCA2). Also called: BRCA2 Hereditary Breast and Ovarian Cancer. Identifiers: Orphanet 145, MedGen C2675520, MONDO:0012933, OMIM 612555. Disease mechanism: loss of function.
Familial cancer of breast. Also called: BREAST CANCER, FAMILIAL; Hereditary breast cancer; hereditary breast carcinoma. Identifiers: Orphanet 227535, MedGen C0346153, MONDO:0016419, OMIM 114480. Disease mechanism: loss of function.

Submissions (5):

Evidence-based Network for the Interpretation of Germline Mutant Alleles (ENIGMA)
Classification: Pathogenic for Breast-ovarian cancer, familial, susceptibility to, 2. Last evaluated: 2016-09-08. Review status: reviewed by expert panel. Criteria: ENIGMA BRCA1/2 Classification Criteria (2015). Collection method: curation. Allele origin: germline.
Comment: Variant allele predicted to encode a truncated non-functional protein.

Baylor Genetics
Classification: Pathogenic for Familial cancer of breast. Last evaluated: 2022-06-21. Review status: criteria provided, single submitter. Criteria: ACMG Guidelines, 2015. Collection method: clinical testing. Allele origin: unknown. Not counted in ClinVar's aggregate classification.

Labcorp Genetics (formerly Invitae), Labcorp
Classification: Pathogenic for Hereditary breast ovarian cancer syndrome. Last evaluated: 2022-01-26. Review status: criteria provided, single submitter. Criteria: Invitae Variant Classification Sherloc (09022015). Collection method: clinical testing. Allele origin: germline. Not counted in ClinVar's aggregate classification.
Comment: This sequence change creates a premature translational stop signal (p.Gln1998Argfs*4) in the BRCA2 gene. It is expected to result in an absent or disrupted protein product. Loss-of-function variants in BRCA2 are known to be pathogenic (PMID: 20104584). This variant is not present in population databases (gnomAD no frequency). This premature translational stop signal has been observed in individual(s) with a personal and/or family history of breast and/or ovarian cancer (PMID: 24549055, 29084914). ClinVar contains an entry for this variant (Variation ID: 254571). For these reasons, this variant has been classified as Pathogenic.

Consortium of Investigators of Modifiers of BRCA1/2 (CIMBA), c/o University of Cambridge
Classification: Pathogenic for Breast-ovarian cancer, familial, susceptibility to, 2. Last evaluated: 2015-10-02. Review status: criteria provided, single submitter. Criteria: CIMBA Mutation Classification guidelines May 2016. Collection method: clinical testing. Allele origin: germline. Not counted in ClinVar's aggregate classification.

BRCAlab, Lund University
Classification: Pathogenic for Breast-ovarian cancer, familial, susceptibility to, 2. Last evaluated: 2020-03-02. Review status: no assertion criteria provided. Collection method: clinical testing. Allele origin: germline. Affected: yes. Not counted in ClinVar's aggregate classification.

Literature cited by the submitters: PubMed 20104584 (cited by Labcorp Genetics (formerly Invitae), Labcorp); PubMed 24549055 (cited by Labcorp Genetics (formerly Invitae), Labcorp); PubMed 29084914 (cited by Labcorp Genetics (formerly Invitae), Labcorp).

NM_000059.4(BRCA2):c.5993_5994del (p.Gln1998fs)

Gene: BRCA2 (BRCA2 DNA repair associated; plus strand). Cytogenetic location: 13q13.1.
Variant type: Deletion.
Coding change: c.5993_5994del on transcript NM_000059.4 (MANE Select); coding-DNA positions 5993 to 5994, 2 bases deleted (AA; older notation c.5993_5994delAA).
Protein change: p.Gln1998fs; shifts the reading frame from glutamine 1998.
Molecular consequence: frameshift variant.
Genome position (GRCh38, 1-based): chr13:32,340,348-32,340,349, AA deleted. VCF-style (leftmost placement, unchanged base first): chr13-32340347-CAA-C. GRCh37 (hg19) VCF-style: chr13-32914484-CAA-C.
Other names: c.5993_5994delAA (NM_000059.3).
Identifiers: ClinVar variation 254571 (VCV000254571.16), dbSNP rs886038136, ClinGen allele CA10586548.
Genomic context (GRCh38, chr13:32,340,347, plus strand): 5'-TTTAGCACAGCAAGTGGAAAATCTGTCCAGGTATCAGATGCTTCATTACAAAACGCAAGA[CAA>C]GTGTTTTCTGAAATAGAAGATAGTACCAAGCAAGTCTTTTCCAAAGTATTGTTTAAAAGT-3'